The following is an entry in ClinVar:

ClinVar aggregate classification (germline): Uncertain significance (1 of 4 stars; one submission).

Conditions:
Long QT syndrome (LQTS). Identifiers: MedGen C0023976, MeSH D008133, MONDO:0002442. Disease mechanism: loss of function. Inheritance: Various modes of inheritance.

Submission:

Labcorp Genetics (formerly Invitae), Labcorp
Classification: Uncertain significance for Long QT syndrome. Last evaluated: 2016-09-20. Review status: criteria provided, single submitter. Criteria: Invitae Variant Classification Sherloc (09022015). Collection method: clinical testing. Allele origin: germline.
Comment: In summary, this variant is a novel missense change that is not predicted to affect protein function. There is no indication that it causes disease, but the available evidence is currently insufficient to prove that conclusively. Therefore, it has been classified as a Variant of Uncertain Significance. Algorithms developed to predict the effect of missense changes on protein structure and function (SIFT, PolyPhen-2, Align-GVGD) all suggest that this variant is likely to be tolerated, but these predictions have not been confirmed by published functional studies. This variant is not present in population databases (ExAC no frequency) and has not been reported in the literature in individuals with a CACNA1C-related disease. This sequence change replaces serine with threonine at codon 878 of the CACNA1C protein (p.Ser878Thr). The serine residue is moderately conserved and there is a small physicochemical difference between serine and threonine.

NM_000719.7(CACNA1C):c.2633G>C (p.Ser878Thr)

Gene: CACNA1C (calcium voltage-gated channel subunit alpha1 C; plus strand). Cytogenetic location: 12p13.33.
Variant type: single nucleotide variant.
Coding change: c.2633G>C on transcript NM_000719.7 (MANE Select); coding-DNA position 2633, G replaced by C.
Protein change: p.Ser878Thr; replaces serine 878 with threonine.
Molecular consequence: missense variant.
Genome position (GRCh38, 1-based): chr12:2,593,315, G>C. VCF-style: chr12-2593315-G-C. GRCh37 (hg19) VCF-style: chr12-2702481-G-C.
Other names: c.2633G>C, p.Ser878Thr (NM_001129827.2, NM_001129829.2, NM_001129830.3 and 18 more transcripts); c.2624G>C, p.Ser875Thr (NM_001129844.2); short protein forms S878T, S875T.
Identifiers: ClinVar variation 411728 (VCV000411728.9), dbSNP rs1060503446, ClinGen allele CA16613969.